The following is an entry in ClinVar:

ClinVar aggregate classification (germline): Uncertain significance (1 of 4 stars; one submission).

Submission:

Ambry Genetics
Classification: Uncertain significance. Last evaluated: 2023-11-15. Review status: criteria provided, single submitter. Criteria: Ambry Variant Classification Scheme 2023. Collection method: clinical testing. Allele origin: germline.
Comment: The p.V516A variant (also known as c.1547T>C), located in coding exon 14 of the RAD54L gene, results from a T to C substitution at nucleotide position 1547. The valine at codon 516 is replaced by alanine, an amino acid with similar properties. This amino acid position is conserved. In addition, this alteration is predicted to be deleterious by in silico analysis. Since supporting evidence is limited at this time, the clinical significance of this alteration remains unclear.

NM_003579.4(RAD54L):c.1547T>C (p.Val516Ala)

Gene: RAD54L (RAD54 like; plus strand). Cytogenetic location: 1p34.1.
Variant type: single nucleotide variant.
Coding change: c.1547T>C on transcript NM_003579.4 (MANE Select); coding-DNA position 1547, T replaced by C.
Protein change: p.Val516Ala; replaces valine 516 with alanine.
Molecular consequence: missense variant.
Genome position (GRCh38, 1-based): chr1:46,273,684, T>C. VCF-style: chr1-46273684-T-C. GRCh37 (hg19) VCF-style: chr1-46739356-T-C.
Other names: c.1547T>C, p.Val516Ala (NM_001142548.2); c.1007T>C, p.Val336Ala (NM_001370766.1); short protein forms V336A, V516A.
Identifiers: ClinVar variation 1774965 (VCV001774965.2), dbSNP rs2525713341, ClinGen allele CA340182252.